The following is an entry in ClinVar:

ClinVar aggregate classification (germline): Uncertain significance (1 of 4 stars; one submission).

Conditions:
Spermatogenic failure 18. Identifiers: MedGen C4539783, MONDO:0054615, OMIM 617576.
Ciliary dyskinesia, primary, 37 (CILD37). Also called: CILIARY DYSKINESIA, PRIMARY, 37, WITH OR WITHOUT SITUS INVERSUS. Identifiers: MedGen C4539798, MONDO:0033204, OMIM 617577.

Allele frequency attached by ClinVar (database versions not stated): gnomAD 0.00001; ExAC 0.00002; gnomAD exomes 0.00001.
gnomAD v4.1: 20 of 1,613,848 alleles (0.0012%); highest among the groups gnomAD compares: South Asian, 0.011%; no homozygotes.

Submission:

Labcorp Genetics (formerly Invitae), Labcorp
Classification: Uncertain significance for Ciliary dyskinesia, primary, 37; Spermatogenic failure 18. Last evaluated: 2025-11-09. Review status: criteria provided, single submitter. Criteria: Invitae Variant Classification Sherloc (09022015). Collection method: clinical testing. Allele origin: germline.
Comment: This sequence change replaces glutamic acid, which is acidic and polar, with lysine, which is basic and polar, at codon 2604 of the DNAH1 protein (p.Glu2604Lys). This variant is present in population databases (rs758684478, gnomAD 0.01%). This variant has not been reported in the literature in individuals affected with DNAH1-related conditions. ClinVar contains an entry for this variant (Variation ID: 2160661). Invitae Evidence Modeling of protein sequence and biophysical properties (such as structural, functional, and spatial information, amino acid conservation, physicochemical variation, residue mobility, and thermodynamic stability) indicates that this missense variant is not expected to disrupt DNAH1 protein function with a negative predictive value of 80%. In summary, the available evidence is currently insufficient to determine the role of this variant in disease. Therefore, it has been classified as a Variant of Uncertain Significance.

NM_015512.5(DNAH1):c.7810G>A (p.Glu2604Lys)

Gene: DNAH1 (dynein axonemal heavy chain 1; plus strand). Cytogenetic location: 3p21.1.
Variant type: single nucleotide variant.
Coding change: c.7810G>A on transcript NM_015512.5 (MANE Select); coding-DNA position 7810, G replaced by A.
Protein change: p.Glu2604Lys; replaces glutamic acid 2604 with lysine.
Molecular consequence: missense variant.
Genome position (GRCh38, 1-based): chr3:52,382,324, G>A. VCF-style: chr3-52382324-G-A. GRCh37 (hg19) VCF-style: chr3-52416340-G-A.
Other names: short protein forms E2604K.
Identifiers: ClinVar variation 2160661 (VCV002160661.3), dbSNP rs758684478, ClinGen allele CA2434999.